The following is an entry in ClinVar:

ClinVar aggregate classification (germline): Uncertain significance (1 of 4 stars; one submission).

Conditions:
DICER1-related tumor predisposition. Also called: DICER1-related pleuropulmonary blastoma cancer predisposition syndrome; DICER1 syndrome. Identifiers: Orphanet 284343, MedGen C3839822, MONDO:0100216.

Submission:

Helix
Classification: Uncertain significance for DICER1-related tumor predisposition. Last evaluated: 2026-05-04. Review status: criteria provided, single submitter. Criteria: ACMG Guidelines, 2015. Collection method: clinical testing. Allele origin: germline. Inheritance: Autosomal dominant inheritance.
Comment: This variant (NM_177438.3:c.4025G>T p.Arg1342Leu) results in the substitution of arginine with leucine at codon 1342 in the DICER1 protein. It is a rare variant that is absent from the large gnomAD population database (v4.1). To our knowledge, this variant has not been reported in individuals with DICER1-related conditions in the published literature. In silico prediction from REVEL (PMID: 27666373) is indeterminate. In conclusion, since the available evidence is limited, the clinical significance of this variant is unclear at this time. Therefore, it is classified as a Variant of Uncertain Significance.

NM_177438.3(DICER1):c.4025G>T (p.Arg1342Leu)

Gene: DICER1 (dicer 1, ribonuclease III; minus strand). Cytogenetic location: 14q32.13.
Variant type: single nucleotide variant.
Coding change: c.4025G>T on transcript NM_177438.3 (MANE Select); coding-DNA position 4025, G replaced by T.
Protein change: p.Arg1342Leu; replaces arginine 1342 with leucine.
Molecular consequence: missense variant. On other transcripts: non-coding transcript variant (6).
Genome position (GRCh38, 1-based): chr14:95,103,371, C>A on the plus strand (G>T on the coding strand, the complement: DICER1 is on the minus strand). VCF-style: chr14-95103371-C-A. GRCh37 (hg19) VCF-style: chr14-95569708-C-A.
Other names: c.4025G>T, p.Arg1342Leu (NM_001195573.1, NM_001271282.3, NM_001291628.2 and 12 more transcripts); c.3743G>T, p.Arg1248Leu (NM_001395686.1); c.3620G>T, p.Arg1207Leu (NM_001395687.1, NM_001395688.1, NM_001395689.1 and 2 more transcripts); c.3458G>T, p.Arg1153Leu (NM_001395691.1); c.2342G>T, p.Arg781Leu (NM_001395697.1); short protein forms R1153L, R1207L, R1248L, R1342L, R781L.
Identifiers: ClinVar variation 4890815 (VCV004890815.1).